The following is an entry in ClinVar:

ClinVar aggregate classification (germline): Pathogenic. Review status: criteria provided, multiple submitters, no conflicts (2 of 4 stars). 2 submissions from 2 submitters: Pathogenic (2). Last evaluated 2025-02-16.

Submissions (2):

Laboratory of Genetics, Children's Clinical University Hospital Latvia
Classification: Pathogenic. Last evaluated: 2025-02-16. Review status: criteria provided, single submitter. Criteria: ACMG Guidelines, 2015. Collection method: clinical testing. Allele origin: germline. Affected: yes.

Labcorp Genetics (formerly Invitae), Labcorp
Classification: Pathogenic. Last evaluated: 2024-06-18. Review status: criteria provided, single submitter. Criteria: Invitae Variant Classification Sherloc (09022015). Collection method: clinical testing. Allele origin: germline.
Comment: This sequence change creates a premature translational stop signal (p.Phe157Leufs*43) in the LZTR1 gene. It is expected to result in an absent or disrupted protein product. Loss-of-function variants in LZTR1 are known to be pathogenic (PMID: 24362817, 25335493, 25480913, 25795793, 29469822, 30368668, 30442762, 30442766, 30481304, 30859559). This variant is not present in population databases (gnomAD no frequency). This variant has not been reported in the literature in individuals affected with LZTR1-related conditions. For these reasons, this variant has been classified as Pathogenic.

Literature cited by the submitters: PubMed 24362817 (cited by Labcorp Genetics (formerly Invitae), Labcorp); PubMed 25335493 (cited by Labcorp Genetics (formerly Invitae), Labcorp); PubMed 25480913 (cited by Labcorp Genetics (formerly Invitae), Labcorp); PubMed 25795793 (cited by Labcorp Genetics (formerly Invitae), Labcorp); PubMed 29469822 (cited by Labcorp Genetics (formerly Invitae), Labcorp); PubMed 30368668 (cited by Labcorp Genetics (formerly Invitae), Labcorp); PubMed 30442762 (cited by Labcorp Genetics (formerly Invitae), Labcorp); PubMed 30442766 (cited by Labcorp Genetics (formerly Invitae), Labcorp); PubMed 30481304 (cited by Labcorp Genetics (formerly Invitae), Labcorp); PubMed 30859559 (cited by Labcorp Genetics (formerly Invitae), Labcorp).

NM_006767.4(LZTR1):c.471del (p.Phe157fs)

Gene: LZTR1 (leucine zipper like post translational regulator 1; plus strand). Cytogenetic location: 22q11.21.
Variant type: Deletion.
Coding change: c.471del on transcript NM_006767.4 (MANE Select); coding-DNA position 471, one base deleted (T; older notation c.471delT).
Protein change: p.Phe157fs; shifts the reading frame from phenylalanine 157.
Molecular consequence: frameshift variant.
Genome position (GRCh38, 1-based): chr22:20,988,080, T deleted; the last of 3 consecutive T bases (chr22:20,988,078-20,988,080); deleting any one gives the same sequence. VCF-style (leftmost placement, unchanged base first): chr22-20988077-GT-G. GRCh37 (hg19) VCF-style: chr22-21342366-GT-G.
Other names: short protein forms F157fs.
Identifiers: ClinVar variation 3631790 (VCV003631790.3).